The following is an entry in ClinVar:

ClinVar aggregate classification (germline): Uncertain significance (1 of 4 stars; one submission).

Conditions:
BDNF-related disorder. Also called: BDNF-related condition.

Submission:

PreventionGenetics, part of Exact Sciences
Classification: Uncertain significance for BDNF-related condition. Last evaluated: 2023-01-26. Review status: criteria provided, single submitter. Criteria: ACMG Guidelines, 2015. Collection method: clinical testing. Allele origin: germline.
Comment: The BDNF c.905T>C variant is predicted to result in the amino acid substitution p.Met302Thr. To our knowledge, this variant has not been reported in the literature or in a large population database, indicating this variant is rare. At this time, the clinical significance of this variant is uncertain due to the absence of conclusive functional and genetic evidence.

NM_001709.5(BDNF):c.659T>C (p.Met220Thr)

Genes: BDNF (brain derived neurotrophic factor; minus strand), BDNF-AS (BDNF antisense RNA; plus strand). Cytogenetic location: 11p14.1.
Variant type: single nucleotide variant.
Coding change: c.659T>C on transcript NM_001709.5 (MANE Select); coding-DNA position 659, T replaced by C.
Protein change: p.Met220Thr; replaces methionine 220 with threonine.
Molecular consequence: missense variant.
Genome position (GRCh38, 1-based): chr11:27,657,906, A>G on the plus strand (T>C on the coding strand, the complement: BDNF is on the minus strand). VCF-style: chr11-27657906-A-G. GRCh37 (hg19) VCF-style: chr11-27679453-A-G.
Other names: c.659T>C, p.Met220Thr (NM_001143805.1, NM_001143806.1, NM_001143807.2 and 9 more transcripts); c.746T>C, p.Met249Thr (NM_001143809.2); c.905T>C, p.Met302Thr (NM_001143810.2); c.683T>C, p.Met228Thr (NM_170731.5); c.704T>C, p.Met235Thr (NM_170734.4); short protein forms M220T, M228T, M235T, M249T, M302T.
Identifiers: ClinVar variation 2630210 (VCV002630210.1), dbSNP rs2538961114, ClinGen allele CA380073571.